The following is an entry in ClinVar:

NM_003072.5(SMARCA4):c.885C>G (p.Pro295=)

Gene: SMARCA4 (SWI/SNF related BAF chromatin remodeling complex subunit ATPase 4; plus strand). Cytogenetic location: 19p13.2.
Variant type: single nucleotide variant.
Coding change: c.885C>G on transcript NM_003072.5 (MANE Select); coding-DNA position 885, C replaced by G.
Protein change: p.Pro295=; no amino-acid change (proline 295 retained).
Molecular consequence: synonymous variant. On other transcripts: non-coding transcript variant (1).
Genome position (GRCh38, 1-based): chr19:10,987,691, C>G. VCF-style: chr19-10987691-C-G. GRCh37 (hg19) VCF-style: chr19-11098367-C-G.
Other names: c.885C>G, p.Pro295= (NM_001128845.2, NM_001128846.2, NM_001128847.4 and 5 more transcripts).
Identifiers: ClinVar variation 480581 (VCV000480581.15), dbSNP rs1060504429, ClinGen allele CA505489516.

ClinVar aggregate classification (germline): Benign/Likely benign. Review status: criteria provided, multiple submitters, no conflicts (2 of 4 stars). 3 submissions from 3 submitters: Benign (1); Likely benign (2). Last evaluated 2026-07-09.

Conditions:
Rhabdoid tumor predisposition syndrome 2 (RTPS2). Identifiers: Orphanet 231108, Orphanet 69077, MedGen C2750074, MONDO:0013224, OMIM 613325.
Hereditary cancer-predisposing syndrome. Also called: Tumor predisposition; Neoplastic Syndromes, Hereditary; Hereditary Cancer Syndrome; Hereditary neoplastic syndrome. Identifiers: Orphanet 140162, MedGen C0027672, MeSH D009386, MONDO:0015356.

gnomAD v4.1: 8 of 1,612,844 alleles (0.0005%); highest among the groups gnomAD compares: Non-Finnish European, 0.00051%; no homozygotes.

Submissions (3):

Myriad Genetics, Inc.
Classification: Benign for Rhabdoid tumor predisposition syndrome 2. Last evaluated: 2026-07-09. Review status: criteria provided, single submitter. Criteria: Myriad Autosomal Dominant, Autosomal Recessive and X-Linked Classification Criteria (2023). Collection method: clinical testing. Allele origin: unknown.
Comment: This variant is considered benign. This variant is a silent/synonymous amino acid change and it is not expected to impact splicing.

Labcorp Genetics (formerly Invitae), Labcorp
Classification: Likely benign for Rhabdoid tumor predisposition syndrome 2. Last evaluated: 2025-03-16. Review status: criteria provided, single submitter. Criteria: Invitae Variant Classification Sherloc (09022015). Collection method: clinical testing. Allele origin: germline.

Ambry Genetics
Classification: Likely benign for Hereditary cancer-predisposing syndrome. Last evaluated: 2015-10-31. Review status: criteria provided, single submitter. Criteria: Ambry Variant Classification Scheme 2023. Collection method: clinical testing. Allele origin: germline.